The following is an entry in ClinVar:

NM_002361.4(MAG):c.1522C>T (p.Arg508Ter)

Gene: MAG (myelin associated glycoprotein; plus strand). Cytogenetic location: 19q13.12.
Variant type: single nucleotide variant.
Coding change: c.1522C>T on transcript NM_002361.4 (MANE Select); coding-DNA position 1522, C replaced by T.
Protein change: p.Arg508Ter; replaces arginine 508 with a stop codon.
Molecular consequence: nonsense.
Genome position (GRCh38, 1-based): chr19:35,310,549, C>T. VCF-style: chr19-35310549-C-T. GRCh37 (hg19) VCF-style: chr19-35801452-C-T.
Other names: c.1447C>T, p.Arg483Ter (NM_001199216.2); c.1522C>T, p.Arg508Ter (NM_080600.3); short protein forms R483*, R508*.
Identifiers: ClinVar variation 976660 (VCV000976660.5), dbSNP rs2066519362, ClinGen allele CA405316612.

ClinVar aggregate classification (germline): Pathogenic/Likely pathogenic. Review status: criteria provided, multiple submitters, no conflicts (2 of 4 stars). 2 submissions from 2 submitters: Pathogenic (1); Likely pathogenic (1). Last evaluated 2024-02-16.

Conditions:
Hereditary spastic paraplegia 75. Also called: Spastic paraplegia 75, autosomal recessive. Identifiers: Orphanet 459056, MedGen C4225250, MONDO:0014729, OMIM 616680.

gnomAD v4.1: 1 of 1,614,112 alleles (0.000062%); highest among the groups gnomAD compares: Non-Finnish European, 0.000085%; no homozygotes.

Submissions (2):

Women's Health and Genetics/Laboratory Corporation of America, LabCorp
Classification: Pathogenic for Hereditary spastic paraplegia 75. Last evaluated: 2024-02-16. Review status: criteria provided, single submitter. Criteria: LabCorp Variant Classification Summary - May 2015. Collection method: clinical testing. Allele origin: germline.
Comment: Variant summary: MAG c.1522C>T (p.Arg508X) results in a premature termination codon, predicted to cause absence of the protein due to nonsense mediated decay, which is a commonly known mechanism for disease. The variant was absent in 251378 control chromosomes (gnomAD). c.1522C>T has been reported in the literature in a homozygous individual affected with Developmental delay, impaired motor skills, hypotonia, hyporeflexia, nystagmus, and ataxia (Zech_2020). The following publication has been ascertained in the context of this evaluation (PMID: 32629324). ClinVar contains an entry for this variant (Variation ID: 976660). Based on the evidence outlined above, the variant was classified as pathogenic.

Institute of Human Genetics Munich, TUM University Hospital
Classification: Likely pathogenic for Hereditary spastic paraplegia 75. Last evaluated: 2020-03-12. Review status: criteria provided, single submitter. Criteria: Classification criteria August 2017. Collection method: clinical testing. Allele origin: germline. Inheritance: Autosomal recessive inheritance. Affected: yes. Observed: 1 homozygote.

Literature cited by the submitters: PubMed 32629324 (cited by Women's Health and Genetics/Laboratory Corporation of America, LabCorp).